The following is an entry in ClinVar:

ClinVar aggregate classification (germline): Uncertain significance (1 of 4 stars; one submission).

Conditions:
Arginase deficiency. Also called: ARGININEMIA; ARG1 DEFICIENCY; Arginase 1 Deficiency. Identifiers: Orphanet 90, MedGen C0268548, MONDO:0008814, OMIM 207800.

Submission:

Labcorp Genetics (formerly Invitae), Labcorp
Classification: Uncertain significance for Arginase deficiency. Last evaluated: 2023-08-10. Review status: criteria provided, single submitter. Criteria: Invitae Variant Classification Sherloc (09022015). Collection method: clinical testing. Allele origin: germline.
Comment: This variant results in a copy number gain of the genomic region encompassing exon(s) 1-5 of the ARG1 gene. This region includes the initiator codon of the gene. This copy number gain extends beyond the assayed region for this gene and therefore may encompass additional genes. As the precise location of this event is unknown, it may be in tandem or it may be located elsewhere in the genome. This variant has not been reported in the literature in individuals affected with ARG1-related conditions. In summary, the available evidence is currently insufficient to determine the role of this variant in disease. Therefore, it has been classified as a Variant of Uncertain Significance.

NC_000006.11:g.(?_131894423)_(131903875_?)dup

Genes: ARG1 (arginase 1; plus strand), MED23 (mediator complex subunit 23; minus strand). Cytogenetic location: 6q23.2.
Variant type: Duplication.
Identifiers: ClinVar variation 1479831 (VCV001479831.5).